The following is an entry in ClinVar:

NM_182961.4(SYNE1):c.1208T>C (p.Leu403Pro)

Gene: SYNE1 (spectrin repeat containing nuclear envelope protein 1; minus strand). Cytogenetic location: 6q25.2.
Variant type: single nucleotide variant.
Coding change: c.1208T>C on transcript NM_182961.4 (MANE Select); coding-DNA position 1208, T replaced by C.
Protein change: p.Leu403Pro; replaces leucine 403 with proline.
Molecular consequence: missense variant.
Genome position (GRCh38, 1-based): chr6:152,483,227, A>G on the plus strand (T>C on the coding strand, the complement: SYNE1 is on the minus strand). VCF-style: chr6-152483227-A-G. GRCh37 (hg19) VCF-style: chr6-152804362-A-G.
Other names: c.1229T>C, p.Leu410Pro (NM_033071.5); short protein forms L410P, L403P.
Identifiers: ClinVar variation 2942511 (VCV002942511.3), dbSNP rs2505681701, ClinGen allele CA366140425.

ClinVar aggregate classification (germline): Uncertain significance (1 of 4 stars; one submission).

Conditions:
Emery-Dreifuss muscular dystrophy 4, autosomal dominant (EDMD4). Also called: EMERY-DREIFUSS MUSCULAR DYSTROPHY 4 WITH VARIABLE FEATURES. Identifiers: Orphanet 261, MedGen C2751807, MONDO:0013071, OMIM 612998.
Autosomal recessive ataxia, Beauce type. Also called: Spinocerebellar ataxia, autosomal recessive 8; ATAXIA, RECESSIVE, OF BEAUCE; SYNE1-Related Autosomal Recessive Cerebellar Ataxia; SYNE1 Deficiency. Identifiers: Orphanet 88644, MedGen C1853116, MONDO:0012549, OMIM 610743.

Submission:

Labcorp Genetics (formerly Invitae), Labcorp
Classification: Uncertain significance for Emery-Dreifuss muscular dystrophy 4, autosomal dominant; Autosomal recessive ataxia, Beauce type. Last evaluated: 2022-12-20. Review status: criteria provided, single submitter. Criteria: Invitae Variant Classification Sherloc (09022015). Collection method: clinical testing. Allele origin: germline.
Comment: In summary, the available evidence is currently insufficient to determine the role of this variant in disease. Therefore, it has been classified as a Variant of Uncertain Significance. Algorithms developed to predict the effect of missense changes on protein structure and function are either unavailable or do not agree on the potential impact of this missense change (SIFT: "Deleterious"; PolyPhen-2: "Probably Damaging"; Align-GVGD: "Class C0"). This variant has not been reported in the literature in individuals affected with SYNE1-related conditions. This variant is not present in population databases (gnomAD no frequency). This sequence change replaces leucine, which is neutral and non-polar, with proline, which is neutral and non-polar, at codon 410 of the SYNE1 protein (p.Leu410Pro).